The following is an entry in ClinVar:

ClinVar aggregate classification (germline): Uncertain significance (1 of 4 stars; one submission).

Conditions:
Hermansky-Pudlak syndrome 2 (HPS2). Also called: Platelet defects and oculocutaneous albinism. Identifiers: Orphanet 183678, Orphanet 79430, MedGen C1842362, MONDO:0011997, OMIM 608233.

Submission:

Labcorp Genetics (formerly Invitae), Labcorp
Classification: Uncertain significance for Hermansky-Pudlak syndrome 2. Last evaluated: 2024-01-08. Review status: criteria provided, single submitter. Criteria: Invitae Variant Classification Sherloc (09022015). Collection method: clinical testing. Allele origin: germline.
Comment: This sequence change replaces serine, which is neutral and polar, with glycine, which is neutral and non-polar, at codon 878 of the AP3B1 protein (p.Ser878Gly). This variant is not present in population databases (gnomAD no frequency). This variant has not been reported in the literature in individuals affected with AP3B1-related conditions. ClinVar contains an entry for this variant (Variation ID: 1358871). An algorithm developed to predict the effect of missense changes on protein structure and function (PolyPhen-2) suggests that this variant is likely to be tolerated. In summary, the available evidence is currently insufficient to determine the role of this variant in disease. Therefore, it has been classified as a Variant of Uncertain Significance.

NM_003664.5(AP3B1):c.2632A>G (p.Ser878Gly)

Gene: AP3B1 (adaptor related protein complex 3 subunit beta 1; minus strand). Cytogenetic location: 5q14.1.
Variant type: single nucleotide variant.
Coding change: c.2632A>G on transcript NM_003664.5 (MANE Select); coding-DNA position 2632, A replaced by G.
Protein change: p.Ser878Gly; replaces serine 878 with glycine.
Molecular consequence: missense variant.
Genome position (GRCh38, 1-based): chr5:78,039,220, T>C on the plus strand (A>G on the coding strand, the complement: AP3B1 is on the minus strand). VCF-style: chr5-78039220-T-C. GRCh37 (hg19) VCF-style: chr5-77335044-T-C.
Other names: c.2485A>G, p.Ser829Gly (NM_001271769.2); short protein forms S878G, S829G.
Identifiers: ClinVar variation 1358871 (VCV001358871.8), dbSNP rs2112100501, ClinGen allele CA360332230.